The following is an entry in ClinVar:

ClinVar aggregate classification (germline): Uncertain significance. Review status: criteria provided, multiple submitters, no conflicts (2 of 4 stars). 4 submissions from 4 submitters: Uncertain significance (3). 1 of the submissions does not count toward it. Last evaluated 2025-03-31.

Conditions:
BBS1-related disorder. Also called: BBS1-related condition.
Bardet-Biedl syndrome (BBS). Identifiers: Orphanet 110, MedGen C0752166, MONDO:0015229.
Bardet-Biedl syndrome 1 (BBS1). Identifiers: MedGen C2936862, MONDO:0008854, OMIM 209900. Disease mechanism: loss of function.

Allele frequency attached by ClinVar (database versions not stated): TOPMed below 0.00001; ExAC 0.00001; gnomAD 0.00001; gnomAD exomes 0.00001 and 0.00002.

Submissions (4):

Labcorp Genetics (formerly Invitae), Labcorp
Classification: Uncertain significance for Bardet-Biedl syndrome. Last evaluated: 2025-03-31. Review status: criteria provided, single submitter. Criteria: Invitae Variant Classification Sherloc (09022015). Collection method: clinical testing. Allele origin: germline.
Comment: This sequence change replaces arginine, which is basic and polar, with cysteine, which is neutral and slightly polar, at codon 67 of the BBS1 protein (p.Arg67Cys). This variant is present in population databases (rs767385250, gnomAD 0.01%). This missense change has been observed in individual(s) with retinitis pigmentosa (internal data). ClinVar contains an entry for this variant (Variation ID: 1401055). An algorithm developed to predict the effect of missense changes on protein structure and function outputs the following: PolyPhen-2: "Benign". The cysteine amino acid residue is found in multiple mammalian species, which suggests that this missense change does not adversely affect protein function. In summary, the available evidence is currently insufficient to determine the role of this variant in disease. Therefore, it has been classified as a Variant of Uncertain Significance.

Fulgent Genetics
Classification: Uncertain significance for Bardet-Biedl syndrome 1. Last evaluated: 2024-06-20. Review status: criteria provided, single submitter. Criteria: ACMG Guidelines, 2015. Collection method: clinical testing. Allele origin: germline.

Blueprint Genetics
Classification: Uncertain significance. Last evaluated: 2022-12-16. Review status: criteria provided, single submitter. Criteria: ACMG Guidelines, 2015. Collection method: clinical testing. Allele origin: germline.

PreventionGenetics, part of Exact Sciences
Classification: Uncertain significance for BBS1-related condition. Last evaluated: 2024-04-30. Review status: no assertion criteria provided. Collection method: clinical testing. Allele origin: germline. Not counted in ClinVar's aggregate classification.
Comment: The BBS1 c.199C>T variant is predicted to result in the amino acid substitution p.Arg67Cys. To our knowledge, this variant has not been reported in the literature. This variant is reported in 0.0099% of alleles in individuals of Ashkenazi Jewish descent in gnomAD. At this time, the clinical significance of this variant is uncertain due to the absence of conclusive functional and genetic evidence.

NM_024649.5(BBS1):c.199C>T (p.Arg67Cys)

Gene: BBS1 (Bardet-Biedl syndrome 1; plus strand). Cytogenetic location: 11q13.2.
Variant type: single nucleotide variant.
Coding change: c.199C>T on transcript NM_024649.5 (MANE Select); coding-DNA position 199, C replaced by T.
Protein change: p.Arg67Cys; replaces arginine 67 with cysteine.
Molecular consequence: missense variant.
Genome position (GRCh38, 1-based): chr11:66,514,445, C>T. VCF-style: chr11-66514445-C-T. GRCh37 (hg19) VCF-style: chr11-66281916-C-T.
Other names: c.199C>T (NM_024649.4); short protein forms R67C.
Identifiers: ClinVar variation 1401055 (VCV001401055.11), dbSNP rs767385250, ClinGen allele CA6123289.